The following is an entry in ClinVar:

NM_025144.4(ALPK1):c.1978C>A (p.Pro660Thr)

Gene: ALPK1 (alpha kinase 1; plus strand). Cytogenetic location: 4q25.
Variant type: single nucleotide variant.
Coding change: c.1978C>A on transcript NM_025144.4 (MANE Select); coding-DNA position 1978, C replaced by A.
Protein change: p.Pro660Thr; replaces proline 660 with threonine.
Molecular consequence: missense variant.
Genome position (GRCh38, 1-based): chr4:112,431,525, C>A. VCF-style: chr4-112431525-C-A. GRCh37 (hg19) VCF-style: chr4-113352681-C-A.
Other names: c.1978C>A, p.Pro660Thr (NM_001102406.2); c.1744C>A, p.Pro582Thr (NM_001253884.2); short protein forms P582T, P660T.
Identifiers: ClinVar variation 4744608 (VCV004744608.1).
Genomic context (GRCh38, chr4:112,431,525, plus strand): 5'-TCATTGCATTCACAGCTTCATGATCTCTCTCTTCAGGAACCCAACAATGACAATTTGGAG[C>A]CTTCTCAAAATCAGCCACAGCAACAGATGCCCTTGACACCCTTCTCGCCTCATAATACCC-3'
Protein context (NP_079420.3, residues 650-670): LQEPNNDNLE[Pro660Thr]SQNQPQQQMP

ClinVar aggregate classification (germline): Uncertain significance (1 of 4 stars; one submission).

gnomAD v4.1: 1 of 1,614,158 alleles (0.000062%); highest among the groups gnomAD compares: South Asian, 0.0011%; no homozygotes.

Submission:

Labcorp Genetics (formerly Invitae), Labcorp
Classification: Uncertain significance. Last evaluated: 2025-06-23. Review status: criteria provided, single submitter. Criteria: Invitae Variant Classification Sherloc (09022015). Collection method: clinical testing. Allele origin: germline.
Comment: This sequence change replaces proline, which is neutral and non-polar, with threonine, which is neutral and polar, at codon 660 of the ALPK1 protein (p.Pro660Thr). This variant is present in population databases (rs775074954, gnomAD 0.003%). This variant has not been reported in the literature in individuals affected with ALPK1-related conditions. Invitae Evidence Modeling of protein sequence and biophysical properties (such as structural, functional, and spatial information, amino acid conservation, physicochemical variation, residue mobility, and thermodynamic stability) indicates that this missense variant is not expected to disrupt ALPK1 protein function with a negative predictive value of 80%. In summary, the available evidence is currently insufficient to determine the role of this variant in disease. Therefore, it has been classified as a Variant of Uncertain Significance.